The following is an entry in ClinVar:

ClinVar aggregate classification (germline): Uncertain significance (1 of 4 stars; one submission).

Submission:

CeGaT Center for Human Genetics Tuebingen
Classification: Uncertain significance. Last evaluated: 2024-07-01. Review status: criteria provided, single submitter. Criteria: CeGaT Center For Human Genetics Tuebingen Variant Classification Criteria Version 2. Collection method: clinical testing. Allele origin: germline. Affected: yes. Observed: 1 variant allele.
Comment: LYST: PM2, PM4:Supporting

NM_000081.4(LYST):c.4484AGA[1] (p.Lys1496del)

Gene: LYST (lysosomal trafficking regulator; minus strand). Cytogenetic location: 1q42.3.
Variant type: Microsatellite.
Coding change: c.4484AGA[1] on transcript NM_000081.4 (MANE Select); one copy of the 3-base unit AGA starting at c.4484; the reference has two copies in a row; one copy, 3 bases deleted.
Protein change: p.Lys1496del; deletes lysine 1496.
Molecular consequence: inframe deletion.
Genome position (GRCh38, 1-based): chr1:235,791,753-235,791,755, TCT deleted on the plus strand (AGA on the coding strand, the reverse complement: LYST is on the minus strand); deleting any 3 consecutive bases within chr1:235,791,753-235,791,759 gives the same sequence; the position shown is the placement nearest the transcript's 3' end. VCF-style (leftmost placement, unchanged base first): chr1-235791752-ATCT-A. GRCh37 (hg19) VCF-style: chr1-235955052-ATCT-A.
Other names: c.4484AGA[1], p.Lys1496del (NM_001301365.1); short protein forms K1496del.
Identifiers: ClinVar variation 3257281 (VCV003257281.17).
Genomic context (GRCh38, chr1:235,791,752, plus strand): 5'-ATCATACCTGTACCATCAAAACTGCTATCTGGTAAAATTAATGATTTGTTTCTTTTCTTT[ATCT>A]TCTTTCCTTTTTCTGTAGTACTCTCAGCTTCATGGATACACTCCACATTAAACCACAGGG-3'